The following is an entry in ClinVar:

NM_006019.4(TCIRG1):c.1894G>A (p.Val632Ile)

Gene: TCIRG1 (T cell immune regulator 1, ATPase H+ transporting V0 subunit a3; plus strand). Cytogenetic location: 11q13.2.
Variant type: single nucleotide variant.
Coding change: c.1894G>A on transcript NM_006019.4 (MANE Select); coding-DNA position 1894, G replaced by A.
Protein change: p.Val632Ile; replaces valine 632 with isoleucine.
Molecular consequence: missense variant.
Genome position (GRCh38, 1-based): chr11:68,049,669, G>A. VCF-style: chr11-68049669-G-A. GRCh37 (hg19) VCF-style: chr11-67817136-G-A.
Other names: c.1000G>A, p.Val334Ile (NM_001351059.2); c.1246G>A, p.Val416Ile (NM_006053.4); short protein forms V334I, V416I, V632I.
Identifiers: ClinVar variation 1209799 (VCV001209799.5), dbSNP rs760670339, ClinGen allele CA6147317.
Genomic context (GRCh38, chr11:68,049,669, plus strand): 5'-CCTTTGCAGGTGTGCACAGCAGGGACGCCCTGACTCTCGCCCTCTCCCTGGCAGGAGGTG[G>A]TCCAGGCCACGCTGGTGGTCCTGGCCTTGGCCATGGTGCCCATCCTGCTGCTTGGCACAC-3'
Protein context (NP_006010.2, residues 622-642): NRLLYPRQEV[Val632Ile]QATLVVLALA

ClinVar aggregate classification (germline): Uncertain significance. Review status: criteria provided, multiple submitters, no conflicts (2 of 4 stars). 2 submissions from 2 submitters: Uncertain significance (2). Last evaluated 2024-07-12.

Conditions:
Autosomal recessive osteopetrosis 1. Also called: ALBERS-SCHONBERG DISEASE, AUTOSOMAL RECESSIVE; TCIRG1-Related Osteopetrosis; TCIRG1-Related Autosomal Recessive Osteopetrosis. Identifiers: Orphanet 667, MedGen C1850127, MONDO:0009815, OMIM 259700.

Allele frequency attached by ClinVar (database versions not stated): ExAC 0.00001; gnomAD 0.00001; gnomAD exomes 0.00001.

Submissions (2):

Labcorp Genetics (formerly Invitae), Labcorp
Classification: Uncertain significance. Last evaluated: 2024-07-12. Review status: criteria provided, single submitter. Criteria: Invitae Variant Classification Sherloc (09022015). Collection method: clinical testing. Allele origin: germline.
Comment: This sequence change replaces valine, which is neutral and non-polar, with isoleucine, which is neutral and non-polar, at codon 632 of the TCIRG1 protein (p.Val632Ile). This variant is present in population databases (rs760670339, gnomAD 0.003%). This variant has not been reported in the literature in individuals affected with TCIRG1-related conditions. ClinVar contains an entry for this variant (Variation ID: 1209799). Advanced modeling of protein sequence and biophysical properties (such as structural, functional, and spatial information, amino acid conservation, physicochemical variation, residue mobility, and thermodynamic stability) performed at Invitae indicates that this missense variant is not expected to disrupt TCIRG1 protein function with a negative predictive value of 80%. In summary, the available evidence is currently insufficient to determine the role of this variant in disease. Therefore, it has been classified as a Variant of Uncertain Significance.

Genome-Nilou Lab
Classification: Uncertain significance for Autosomal recessive osteopetrosis 1. Last evaluated: 2021-07-22. Review status: criteria provided, single submitter. Criteria: ACMG Guidelines, 2015. Collection method: clinical testing. Allele origin: germline. Affected: no.